The following is an entry in ClinVar:

NM_001083962.2(TCF4):c.549+28682G>A

Gene: TCF4 (transcription factor 4; minus strand). Cytogenetic location: 18q21.2.
Variant type: single nucleotide variant.
Coding change: c.549+28682G>A on transcript NM_001083962.2 (MANE Select); 28682 bases into the intron after coding-DNA position 549, G replaced by A.
Molecular consequence: intron variant. On other transcripts: missense variant (3).
Genome position (GRCh38, 1-based): chr18:55,321,677, C>T on the plus strand (G>A on the coding strand, the complement: TCF4 is on the minus strand). VCF-style: chr18-55321677-C-T. GRCh37 (hg19) VCF-style: chr18-52988908-C-T.
Other names: c.62G>A, p.Gly21Glu (NM_001243234.2, NM_001243235.2, NM_001348214.2); c.855+28682G>A (NM_001243226.3); c.474+28682G>A (NM_001369584.1, NM_001369576.1, NM_001369585.1 and 3 more transcripts); c.477+28682G>A (NM_001369577.1, NM_001369582.1, NM_001243227.2 and 9 more transcripts); c.549+28682G>A (NM_001369571.1, NM_001369567.1, NM_001243228.2 and 5 more transcripts); c.543+28682G>A (NM_001243230.2); c.546+28682G>A (NM_001369569.1, NM_001369573.1, NM_001369570.1); c.423+28682G>A (NM_001243231.2, NM_001348211.2); and 2 more; short protein forms G21E.
Identifiers: ClinVar variation 2672729 (VCV002672729.23), dbSNP rs2513951159, ClinGen allele CA402702172.

ClinVar aggregate classification (germline): Uncertain significance (1 of 4 stars; one submission).

Submission:

CeGaT Center for Human Genetics Tuebingen
Classification: Uncertain significance. Last evaluated: 2023-11-01. Review status: criteria provided, single submitter. Criteria: CeGaT Center For Human Genetics Tuebingen Variant Classification Criteria Version 2. Collection method: clinical testing. Allele origin: germline. Affected: yes. Observed: 1 variant allele.
Comment: TCF4: PM2, BP4